The following is an entry in ClinVar:

ClinVar aggregate classification (germline): Uncertain significance (1 of 4 stars; one submission).

Allele frequency attached by ClinVar (database versions not stated): TOPMed below 0.00001; gnomAD 0.00001; gnomAD exomes 0.00001.
gnomAD v4.1: 11 of 1,612,196 alleles (0.00068%); highest among the groups gnomAD compares: Non-Finnish European, 0.00093%; no homozygotes.

Submission:

Labcorp Genetics (formerly Invitae), Labcorp
Classification: Uncertain significance. Last evaluated: 2021-05-21. Review status: criteria provided, single submitter. Criteria: Invitae Variant Classification Sherloc (09022015). Collection method: clinical testing. Allele origin: germline.
Comment: This sequence change replaces tyrosine with cysteine at codon 790 of the IARS2 protein (p.Tyr790Cys). The tyrosine residue is weakly conserved and there is a large physicochemical difference between tyrosine and cysteine. This variant is not present in population databases (ExAC no frequency). This variant has not been reported in the literature in individuals with IARS2-related conditions. Algorithms developed to predict the effect of missense changes on protein structure and function (SIFT, PolyPhen-2, Align-GVGD) all suggest that this variant is likely to be tolerated, but these predictions have not been confirmed by published functional studies and their clinical significance is uncertain. In summary, the available evidence is currently insufficient to determine the role of this variant in disease. Therefore, it has been classified as a Variant of Uncertain Significance.

NM_018060.4(IARS2):c.2369A>G (p.Tyr790Cys)

Gene: IARS2 (isoleucyl-tRNA synthetase 2, mitochondrial; plus strand). Cytogenetic location: 1q41.
Variant type: single nucleotide variant.
Coding change: c.2369A>G on transcript NM_018060.4 (MANE Select); coding-DNA position 2369, A replaced by G.
Protein change: p.Tyr790Cys; replaces tyrosine 790 with cysteine.
Molecular consequence: missense variant.
Genome position (GRCh38, 1-based): chr1:220,140,244, A>G. VCF-style: chr1-220140244-A-G. GRCh37 (hg19) VCF-style: chr1-220313586-A-G.
Other names: short protein forms Y790C.
Identifiers: ClinVar variation 1369768 (VCV001369768.7), dbSNP rs1448927304, ClinGen allele CA344615683.
Genomic context (GRCh38, chr1:220,140,244, plus strand): 5'-TTACCGAATTATACAAACAATATGATTTTGGAAAAGTTGTTCGGCTGTTACGGACGTTTT[A>G]TACCAGAGAGCTCTCTAACTTTTATTTCAGTATAATCAAAGATAGGTATGTATGACTAAA-3'
Protein context (NP_060530.3, residues 780-800): GKVVRLLRTF[Tyr790Cys]TRELSNFYFS